The following is an entry in ClinVar:

NM_000166.6(GJB1):c.179G>A (p.Cys60Tyr)

Gene: GJB1 (gap junction protein beta 1; plus strand). Cytogenetic location: Xq13.1.
Variant type: single nucleotide variant.
Coding change: c.179G>A on transcript NM_000166.6 (MANE Select); coding-DNA position 179, G replaced by A.
Protein change: p.Cys60Tyr; replaces cysteine 60 with tyrosine.
Molecular consequence: missense variant.
Genome position (GRCh38, 1-based): chrX:71,223,886, G>A. VCF-style: chrX-71223886-G-A. GRCh37 (hg19) VCF-style: chrX-70443736-G-A.
Other names: c.179G>A, p.Cys60Tyr (NM_001097642.3); short protein forms C60Y.
Identifiers: ClinVar variation 543917 (VCV000543917.18), dbSNP rs1555937082, ClinGen allele CA413501299.

ClinVar aggregate classification (germline): Likely pathogenic. Review status: criteria provided, multiple submitters, no conflicts (2 of 4 stars). 5 submissions from 5 submitters: Likely pathogenic (3). 2 of the submissions do not count toward it. Last evaluated 2025-08-01.

Conditions:
Charcot-Marie-Tooth disease X-linked dominant 1. Also called: HEREDITARY MOTOR AND SENSORY NEUROPATHY, X-LINKED; HMSN, X-LINKED; Charcot-Marie-Tooth Neuropathy X Type 1; X-linked Charcot-Marie-Tooth disease type 1; GJB1 Disorders: Charcot-Marie-Tooth Neuropathy (CMT1X) and Central Nervous System Phenotypes; CHARCOT-MARIE-TOOTH NEUROPATHY, X-LINKED, 1. Identifiers: Orphanet 101075, MedGen C0393808, MONDO:0010549, OMIM 302800.
Charcot-Marie-Tooth Neuropathy X. Identifiers: MedGen CN118851.
Charcot-Marie-Tooth disease. Also called: Charcot-Marie-Tooth Neuropathy; Charcot-Marie-Tooth Hereditary Neuropathy. Identifiers: Orphanet 166, MedGen C0007959, MONDO:0015626.

Allele frequency attached by ClinVar (database versions not stated): gnomAD exomes below 0.00001.
gnomAD v4.1: 1 of 1,210,430 alleles (0.000083%); highest among the groups gnomAD compares: Non-Finnish European, 0.00011%; no homozygotes.

Submissions (5):

CeGaT Center for Human Genetics Tuebingen
Classification: Likely pathogenic. Last evaluated: 2025-08-01. Review status: criteria provided, single submitter. Criteria: CeGaT Center For Human Genetics Tuebingen Variant Classification Criteria Version 2. Collection method: clinical testing. Allele origin: germline. Affected: yes. Observed: 1 variant allele.
Comment: GJB1: PM2, PM5, PP2, PS4:Supporting

Athena Diagnostics
Classification: Likely pathogenic. Last evaluated: 2025-07-08. Review status: criteria provided, single submitter. Criteria: Athena Diagnostics Criteria. Collection method: clinical testing. Allele origin: unknown.
Comment: This variant has not been reported in large, multi-ethnic general populations. This variant has been identified in at least one individual with clinical features associated with this gene. Multiple missense variants at this codon, including at least one considered to be pathogenic or likely pathogenic, have been reported in individuals with clinical features associated with this gene, suggesting this variant may also cause disease. Polyphen and MutationTaster predict this amino acid change may be damaging to the protein.

Labcorp Genetics (formerly Invitae), Labcorp
Classification: Likely pathogenic for Charcot-Marie-Tooth Neuropathy X. Last evaluated: 2017-09-03. Review status: criteria provided, single submitter. Criteria: Invitae Variant Classification Sherloc (09022015). Collection method: clinical testing. Allele origin: germline.
Comment: This sequence change replaces cysteine with tyrosine at codon 60 of the GJB1 protein (p.Cys60Tyr). The cysteine residue is highly conserved and there is a large physicochemical difference between cysteine and tyrosine. In summary, the currently available evidence indicates that the variant is pathogenic, but additional data are needed to prove that conclusively. Therefore, this variant has been classified as Likely Pathogenic. A different missense substitution at this codon (p.Cys60Phe) has been determined to be pathogenic (PMID: 8162049, 8816997, 9452099, 10093067). This suggests that the cysteine residue is critical for GJB1 protein function and that other missense substitutions at this position may also be pathogenic. Algorithms developed to predict the effect of missense changes on protein structure and function do not agree on the potential impact of this missense change (SIFT: "Deleterious"; PolyPhen-2: "Probably Damaging"; Align-GVGD: "Class C0"). This variant has been reported to segregate with X-linked Charcot-Marie-Tooth disease in a single family (PMID: 25043634). This variant is not present in population databases (ExAC no frequency).

Inherited Neuropathy Consortium Ii, University Of Miami
Classification: Uncertain significance for Charcot-Marie-Tooth disease X-linked dominant 1. Last evaluated: 2016-01-06. Review status: no assertion criteria provided. Collection method: literature only. Allele origin: germline. Affected: yes. Not counted in ClinVar's aggregate classification.

Inherited Neuropathy Consortium
Classification: Uncertain significance for Charcot-Marie-Tooth disease. Review status: no assertion criteria provided. Collection method: literature only. Allele origin: germline. Affected: yes. Not counted in ClinVar's aggregate classification.

Literature cited by the submitters: PubMed 25043634 (cited by 4 submitters); PubMed 37284795 (cited by Athena Diagnostics); PubMed 8162049 (cited by Athena Diagnostics and Labcorp Genetics (formerly Invitae), Labcorp); PubMed 8816997 (cited by Labcorp Genetics (formerly Invitae), Labcorp); PubMed 9452099 (cited by Labcorp Genetics (formerly Invitae), Labcorp); PubMed 10093067 (cited by Labcorp Genetics (formerly Invitae), Labcorp).